The following is an entry in ClinVar:

NM_007294.4(BRCA1):c.5075-10C>T

Gene: BRCA1 (BRCA1 DNA repair associated; minus strand). Cytogenetic location: 17q21.31.
Variant type: single nucleotide variant.
Coding change: c.5075-10C>T on transcript NM_007294.4 (MANE Select); 10 bases into the intron before coding-DNA position 5075, C replaced by T.
Molecular consequence: intron variant.
Genome position (GRCh38, 1-based): chr17:43,063,961, G>A on the plus strand (C>T on the coding strand, the complement: BRCA1 is on the minus strand). VCF-style: chr17-43063961-G-A. GRCh37 (hg19) VCF-style: chr17-41215978-G-A.
Other names: c.1622-10C>T (NM_001408458.1, NM_001408461.1, NM_001408464.1 and 7 more transcripts); c.4184-10C>T (NM_001407967.1); c.4694-10C>T (NM_001407959.1); c.4808-10C>T (NM_001407931.1, NM_001407932.1, NM_001407928.1 and 4 more transcripts); c.4931-10C>T (NM_001407747.1, NM_001407745.1, NM_001407737.1 and 21 more transcripts); c.4691-10C>T (NM_001407962.1, NM_001407960.1); c.1262-10C>T (NM_001408512.1); c.1385-10C>T (NM_001408510.1); and 73 more.
Identifiers: ClinVar variation 864916 (VCV000864916.3), dbSNP rs2051940421, ClinGen allele CA916080139.

Conditions:
Breast-ovarian cancer, familial, susceptibility to, 1 (BROVCA1). Also called: BRCA1 Hereditary Breast and Ovarian Cancer; OVARIAN CANCER, SUSCEPTIBILITY TO. Identifiers: Orphanet 145, MedGen C2676676, MONDO:0011450, OMIM 604370. Disease mechanism: loss of function.

Allele frequency attached by ClinVar (database versions not stated): gnomAD exomes below 0.00001.
gnomAD v4.1: 3 of 1,613,210 alleles (0.00019%); highest among the groups gnomAD compares: Non-Finnish European, 0.00025%; no homozygotes.

Submission:

Brotman Baty Institute, University of Washington
No classification provided (evidence only). Condition: Breast-ovarian cancer, familial 1. Review status: no classification provided. Collection method: in vitro. Allele origin: not applicable. Functional consequence: functionally_normal.
ClinVar note: "not provided" was previously submitted as the classification for the variant. However, the classification appeared to be based only on an observation of functional data so it was converted to no classification on 2025-07-30.